The following is an entry in ClinVar:

NM_017849.4(TMEM127):c.538G>T (p.Val180Leu)

Gene: TMEM127 (transmembrane protein 127; minus strand). Cytogenetic location: 2q11.2.
Variant type: single nucleotide variant.
Coding change: c.538G>T on transcript NM_017849.4 (MANE Select); coding-DNA position 538, G replaced by T.
Protein change: p.Val180Leu; replaces valine 180 with leucine.
Molecular consequence: missense variant.
Genome position (GRCh38, 1-based): chr2:96,253,987, C>A on the plus strand (G>T on the coding strand, the complement: TMEM127 is on the minus strand). VCF-style: chr2-96253987-C-A. GRCh37 (hg19) VCF-style: chr2-96919725-C-A.
Other names: c.538G>T, p.Val180Leu (NM_001193304.3); c.538G>T (NM_017849.3); short protein forms V180L.
Identifiers: ClinVar variation 1395843 (VCV001395843.10), dbSNP rs767100341, ClinGen allele CA347652461.

ClinVar aggregate classification (germline): Uncertain significance. Review status: criteria provided, multiple submitters, no conflicts (2 of 4 stars). 2 submissions from 2 submitters: Uncertain significance (2). Last evaluated 2025-05-23.

Conditions:
Hereditary pheochromocytoma and paraganglioma. Also called: Hereditary paragangliomas and pheochromocytomas; Hereditary Paraganglioma-Pheochromocytoma Syndromes; Hereditary pheochromocytoma-paraganglioma. Identifiers: Orphanet 29072, MedGen C4274332, MONDO:0017366.
Hereditary cancer-predisposing syndrome. Also called: Tumor predisposition; Hereditary Cancer Syndrome; Hereditary neoplastic syndrome; Neoplastic Syndromes, Hereditary. Identifiers: Orphanet 140162, MedGen C0027672, MeSH D009386, MONDO:0015356.

Submissions (2):

Ambry Genetics
Classification: Uncertain significance for Hereditary cancer-predisposing syndrome. Last evaluated: 2025-05-23. Review status: criteria provided, single submitter. Criteria: Ambry Variant Classification Scheme 2023. Collection method: clinical testing. Allele origin: germline.
Comment: The p.V180L variant (also known as c.538G>T), located in coding exon 3 of the TMEM127 gene, results from a G to T substitution at nucleotide position 538. The valine at codon 180 is replaced by leucine, an amino acid with highly similar properties. This amino acid position is highly conserved in available vertebrate species. In addition, the in silico prediction for this alteration is inconclusive. Based on the available evidence, the clinical significance of this variant remains unclear.

Labcorp Genetics (formerly Invitae), Labcorp
Classification: Uncertain significance for Hereditary pheochromocytoma and paraganglioma. Last evaluated: 2021-01-08. Review status: criteria provided, single submitter. Criteria: Invitae Variant Classification Sherloc (09022015). Collection method: clinical testing. Allele origin: germline.
Comment: Algorithms developed to predict the effect of missense changes on protein structure and function are either unavailable or do not agree on the potential impact of this missense change (SIFT: "Deleterious"; PolyPhen-2: "Benign"; Align-GVGD: "Class C25"). In summary, the available evidence is currently insufficient to determine the role of this variant in disease. Therefore, it has been classified as a Variant of Uncertain Significance. This sequence change replaces valine with leucine at codon 180 of the TMEM127 protein (p.Val180Leu). The valine residue is highly conserved and there is a small physicochemical difference between valine and leucine. This variant has not been reported in the literature in individuals with TMEM127-related conditions. This variant is not present in population databases (ExAC no frequency).